The following is an entry in ClinVar:

NM_001243197.2(IQSEC2):c.62G>T (p.Cys21Phe)

Gene: IQSEC2 (IQ motif and Sec7 domain ArfGEF 2; minus strand). Cytogenetic location: Xp11.22.
Variant type: single nucleotide variant.
Coding change: c.62G>T on transcript NM_001243197.2 (MANE Plus Clinical); coding-DNA position 62, G replaced by T.
Protein change: p.Cys21Phe; replaces cysteine 21 with phenylalanine.
Molecular consequence: missense variant. On other transcripts: intron variant (5).
Genome position (GRCh38, 1-based): chrX:53,279,624, C>A on the plus strand (G>T on the coding strand, the complement: IQSEC2 is on the minus strand). VCF-style: chrX-53279624-C-A. GRCh37 (hg19) VCF-style: chrX-53308806-C-A.
Other names: c.179G>T, p.Cys60Phe (NM_001441093.1); c.62G>T, p.Cys21Phe (NM_015075.2); c.737+12271G>T (NM_001441092.1, NM_001410736.1, NM_001111125.3); c.26+1872G>T (NM_001441095.1, NM_001441094.1); short protein forms C60F, C21F.
Identifiers: ClinVar variation 4992990 (VCV004992990.1).
Genomic context (GRCh38, chrX:53,279,624, plus strand): 5'-CTGCTCTCTGCCAGCCTGCCTGAGGGGGTAAGCTTCATGGAGTCAAGGACCTGAGTAGGA[C>A]AGCAATACTGGTGTAGAGTATGAGACGCTGTGGACCTGAGAGACAGCAAGAGACAGAGAG-3'
Protein context (NP_001230126.1, residues 11-31): TASHTLHQYC[Cys21Phe]PTQVLDSMKL

ClinVar aggregate classification (germline): Uncertain significance (1 of 4 stars; one submission).

Conditions:
IQSEC2-related disorder. Also called: IQSEC2-related condition.

Submission:

PreventionGenetics, part of Exact Sciences
Classification: Uncertain significance for IQSEC2-related condition. Last evaluated: 2026-07-14. Review status: criteria provided, single submitter. Criteria: ACMG Guidelines, 2015. Collection method: clinical testing. Allele origin: germline.
Comment: The IQSEC2 c.62G>T variant is predicted to result in the amino acid substitution p.Cys21Phe. To our knowledge, this variant has not been reported in the literature or in a large population database (gnomAD), indicating this variant is rare. At this time, the clinical significance of this variant is uncertain due to the absence of conclusive functional and genetic evidence.